The following is an entry in ClinVar:

NM_001077365.2(POMT1):c.1273-11del

Gene: POMT1 (protein O-mannosyltransferase 1; plus strand). Cytogenetic location: 9q34.13.
Variant type: Deletion.
Coding change: c.1273-11del on transcript NM_001077365.2 (MANE Select); 11 bases into the intron before coding-DNA position 1273, one base deleted (T; older notation c.1273-11delT).
Molecular consequence: intron variant.
Genome position (GRCh38, 1-based): chr9:131,518,434, T deleted. VCF-style (leftmost placement, unchanged base first): chr9-131518433-GT-G. GRCh37 (hg19) VCF-style: chr9-134393820-GT-G.
Other names: c.1177-11del (NM_001353198.2, NM_001353197.2); c.1339-11del (NM_001353193.2, NM_007171.4); c.1273-11del (NM_001136113.2, NM_001374690.1); c.1111-11del (NM_001353194.2, NM_001077366.2); c.922-11del (NM_001374691.1, NM_001353195.2, NM_001374692.1 and 2 more transcripts); c.1183-11del (NM_001353196.2); c.883-11del (NM_001374695.1); c.1261-11del (NM_001374689.1); and 2 more.
Identifiers: ClinVar variation 2153063 (VCV002153063.4), dbSNP rs1381686729, ClinGen allele CA590754029.

ClinVar aggregate classification (germline): Uncertain significance (1 of 4 stars; one submission).

Conditions:
Muscular dystrophy-dystroglycanopathy (congenital with impaired intellectual development), type B, 1. Also called: Muscular dystrophy-dystroglycanopathy (congenital with intellectual disability), type B1; MUSCULAR DYSTROPHY, CONGENITAL, POMT1-RELATED. Identifiers: MedGen C5436962, MONDO:0013159, OMIM 613155.
Walker-Warburg congenital muscular dystrophy. Also called: Muscular dystrophy-dystroglycanopathy, type A; Walker-Warburg syndrome. Identifiers: Orphanet 899, MedGen C0265221, MONDO:0000171.
Autosomal recessive limb-girdle muscular dystrophy type 2K. Also called: MUSCULAR DYSTROPHY-DYSTROGLYCANOPATHY (LIMB-GIRDLE), TYPE C, 1; MUSCULAR DYSTROPHY, LIMB-GIRDLE, TYPE 2K. Identifiers: Orphanet 86812, MedGen C1836373, MONDO:0012248, OMIM 609308.

Allele frequency attached by ClinVar (database versions not stated): gnomAD 0.00001; TOPMed 0.00001.

Submission:

Labcorp Genetics (formerly Invitae), Labcorp
Classification: Uncertain significance for Muscular dystrophy-dystroglycanopathy (congenital with impaired intellectual development), type B, 1; Walker-Warburg congenital muscular dystrophy; Autosomal recessive limb-girdle muscular dystrophy type 2K. Last evaluated: 2022-07-30. Review status: criteria provided, single submitter. Criteria: Invitae Variant Classification Sherloc (09022015). Collection method: clinical testing. Allele origin: germline.
Comment: In summary, the available evidence is currently insufficient to determine the role of this variant in disease. Therefore, it has been classified as a Variant of Uncertain Significance. Algorithms developed to predict the effect of sequence changes on RNA splicing suggest that this variant may create or strengthen a splice site. This variant has not been reported in the literature in individuals affected with POMT1-related conditions. This variant is present in population databases (no rsID available, gnomAD 0.02%). This sequence change falls in intron 13 of the POMT1 gene. It does not directly change the encoded amino acid sequence of the POMT1 protein.